The following is an entry in ClinVar:

NM_033026.6(PCLO):c.8336G>C (p.Ser2779Thr)

Gene: PCLO (piccolo presynaptic cytomatrix protein; minus strand). Cytogenetic location: 7q21.11.
Variant type: single nucleotide variant.
Coding change: c.8336G>C on transcript NM_033026.6 (MANE Select); coding-DNA position 8336, G replaced by C.
Protein change: p.Ser2779Thr; replaces serine 2779 with threonine.
Molecular consequence: missense variant.
Genome position (GRCh38, 1-based): chr7:82,952,617, C>G on the plus strand (G>C on the coding strand, the complement: PCLO is on the minus strand). VCF-style: chr7-82952617-C-G. GRCh37 (hg19) VCF-style: chr7-82581933-C-G.
Other names: c.8336G>C, p.Ser2779Thr (NM_014510.3); short protein forms S2779T.
Identifiers: ClinVar variation 1466222 (VCV001466222.8), dbSNP rs758585952, ClinGen allele CA4320138.

ClinVar aggregate classification (germline): Uncertain significance (1 of 4 stars; one submission).

Allele frequency attached by ClinVar (database versions not stated): gnomAD exomes below 0.00001; TOPMed below 0.00001; ExAC 0.00001.

Submission:

Labcorp Genetics (formerly Invitae), Labcorp
Classification: Uncertain significance. Last evaluated: 2023-11-11. Review status: criteria provided, single submitter. Criteria: Invitae Variant Classification Sherloc (09022015). Collection method: clinical testing. Allele origin: germline.
Comment: This sequence change replaces serine, which is neutral and polar, with threonine, which is neutral and polar, at codon 2779 of the PCLO protein (p.Ser2779Thr). This variant is present in population databases (rs758585952, gnomAD 0.008%). This variant has not been reported in the literature in individuals affected with PCLO-related conditions. ClinVar contains an entry for this variant (Variation ID: 1466222). Experimental studies and prediction algorithms are not available or were not evaluated, and the functional significance of this variant is currently unknown. In summary, the available evidence is currently insufficient to determine the role of this variant in disease. Therefore, it has been classified as a Variant of Uncertain Significance.